The following is an entry in ClinVar:

NM_003922.4(HERC1):c.4585-4A>G

Gene: HERC1 (HECT and RLD domain containing E3 ubiquitin protein ligase family member 1; minus strand). Cytogenetic location: 15q22.31.
Variant type: single nucleotide variant.
Coding change: c.4585-4A>G on transcript NM_003922.4 (MANE Select); 4 bases into the intron before coding-DNA position 4585, A replaced by G.
Molecular consequence: intron variant.
Genome position (GRCh38, 1-based): chr15:63,706,835, T>C on the plus strand (A>G on the coding strand, the complement: HERC1 is on the minus strand). VCF-style: chr15-63706835-T-C. GRCh37 (hg19) VCF-style: chr15-63999034-T-C.
Identifiers: ClinVar variation 2572883 (VCV002572883.1), dbSNP rs2551530894, ClinGen allele CA2580613846.

ClinVar aggregate classification (germline): Uncertain significance (1 of 4 stars; one submission).

Submission:

GeneDx
Classification: Uncertain significance. Last evaluated: 2023-01-11. Review status: criteria provided, single submitter. Criteria: GeneDx Variant Classification Process June 2021. Collection method: clinical testing. Allele origin: germline. Affected: yes.
Comment: Not observed at significant frequency in large population cohorts (gnomAD); In silico analysis supports a deleterious effect on splicing; Has not been previously published as pathogenic or benign to our knowledge